The following is an entry in ClinVar:

NM_007153.3(ZNF208):c.1062A>C (p.Ser354=)

Gene: ZNF208 (zinc finger protein 208; minus strand). Cytogenetic location: 19p12.
Variant type: single nucleotide variant.
Coding change: c.1062A>C on transcript NM_007153.3 (MANE Select); coding-DNA position 1062, A replaced by C.
Protein change: p.Ser354=; no amino-acid change (serine 354 retained).
Molecular consequence: synonymous variant. On other transcripts: intron variant (4).
Genome position (GRCh38, 1-based): chr19:21,973,972, T>G on the plus strand (A>C on the coding strand, the complement: ZNF208 is on the minus strand). VCF-style: chr19-21973972-T-G. GRCh37 (hg19) VCF-style: chr19-22156774-T-G.
Other names: c.226+13244A>C (NM_001329974.2); c.305+757A>C (NM_001329971.2, NM_001329973.1); c.227-13188A>C (NM_001329972.1).
Identifiers: ClinVar variation 2649640 (VCV002649640.24), dbSNP rs367546840, ClinGen allele CA9342218.
Genomic context (GRCh38, chr19:21,973,972, plus strand): 5'-GCATTCTTCACATTTGTAGGGTTTCTCTCCAGTATGAATTACCTTATGTTTAGTAAGGAT[T>G]GAGAACTTACTAAAGGCTTTGCCACATTCTTTACATTTGTAGGGCTTCTCTCCAGCATGA-3'
Protein context (NP_009084.2, residues 344-364): KECGKAFSKF[Ser354=]ILTKHKVIHT

ClinVar aggregate classification (germline): Likely benign (1 of 4 stars; one submission).

Allele frequency attached by ClinVar (database versions not stated): 1000 Genomes Project 30x 0.00062; 1000 Genomes Project 0.00080; TOPMed 0.00211; gnomAD 0.00223; ESP Exome Variant Server 0.00234; ExAC 0.00237.
gnomAD v4.1: 4,837 of 1,613,294 alleles (0.3%); highest among the groups gnomAD compares: Non-Finnish European, 0.38%; 9 homozygotes.

Submission:

CeGaT Center for Human Genetics Tuebingen
Classification: Likely benign. Last evaluated: 2026-02-01. Review status: criteria provided, single submitter. Criteria: CeGaT Center For Human Genetics Tuebingen Variant Classification Criteria Version 2. Collection method: clinical testing. Allele origin: germline. Affected: yes. Observed: 3 variant alleles.
Comment: ZNF208: BP4, BP7